The following is an entry in ClinVar:

NM_152513.4(MEI1):c.2805C>T (p.Leu935=)

Gene: MEI1 (meiotic double-stranded break formation protein 1; plus strand). Cytogenetic location: 22q13.2.
Variant type: single nucleotide variant.
Coding change: c.2805C>T on transcript NM_152513.4 (MANE Select); coding-DNA position 2805, C replaced by T.
Protein change: p.Leu935=; no amino-acid change (leucine 935 retained).
Molecular consequence: synonymous variant.
Genome position (GRCh38, 1-based): chr22:41,778,802, C>T. VCF-style: chr22-41778802-C-T. GRCh37 (hg19) VCF-style: chr22-42174806-C-T.
Identifiers: ClinVar variation 3047620 (VCV003047620.2), dbSNP rs1022692834, ClinGen allele CA324612569.

ClinVar aggregate classification (germline): Likely benign (0 of 4 stars; one submission).

Conditions:
MEI1-related disorder. Also called: MEI1-related condition.

gnomAD v4.1: 36 of 1,602,802 alleles (0.0022%); highest among the groups gnomAD compares: Non-Finnish European, 0.0029%; no homozygotes.

Submission:

PreventionGenetics, part of Exact Sciences
Classification: Likely benign for MEI1-related condition. Last evaluated: 2019-03-12. Review status: no assertion criteria provided. Collection method: clinical testing. Allele origin: germline.
Comment: This variant is classified as likely benign based on ACMG/AMP sequence variant interpretation guidelines (Richards et al. 2015 PMID: 25741868, with internal and published modifications).